The following is an entry in ClinVar:

NM_004380.3(CREBBP):c.4244A>C (p.Gln1415Pro)

Gene: CREBBP (CREB binding lysine acetyltransferase; minus strand). Cytogenetic location: 16p13.3.
Variant type: single nucleotide variant.
Coding change: c.4244A>C on transcript NM_004380.3 (MANE Select); coding-DNA position 4244, A replaced by C.
Protein change: p.Gln1415Pro; replaces glutamine 1415 with proline.
Molecular consequence: missense variant.
Genome position (GRCh38, 1-based): chr16:3,739,614, T>G on the plus strand (A>C on the coding strand, the complement: CREBBP is on the minus strand). VCF-style: chr16-3739614-T-G. GRCh37 (hg19) VCF-style: chr16-3789615-T-G.
Other names: c.4130A>C, p.Gln1377Pro (NM_001079846.1); short protein forms Q1377P, Q1415P.
Identifiers: ClinVar variation 4886391 (VCV004886391.2).
Genomic context (GRCh38, chr16:3,739,614, plus strand): 5'-CCCTGGAAGGAGCTGGAAAACTACCTCGTGTTTGGAGGGGGGCAATCAGAGCCGTATTCT[T>G]GGACGTGCATTCCAAAAAAGCAGACATCCACGCCGTCAATTTCCTCAAAAGCAAACAGAG-3'
Protein context (NP_004371.2, residues 1405-1425): VDVCFFGMHV[Gln1415Pro]EYGSDCPPPN

ClinVar aggregate classification (germline): Likely pathogenic (1 of 4 stars; one submission).

Submission:

Dasa
Classification: Likely pathogenic. Last evaluated: 2025-10-27. Review status: criteria provided, single submitter. Criteria: DASA Assertion Criteria. Collection method: clinical testing. Allele origin: germline.
Comment: NM_004380.3(CREBBP):c.4244A>C (p.Gln1415Pro) is a missense variant that results in the substitution of glutamine with proline. This variant has been reported in individuals with CREBBP-related disorders (PMID: 25388907). This variant has been reported as a de novo occurrence in an affected individual (PMID: 25388907). Also, this variant is absent from population databases. Computational evidence supports a deleterious effect. Based on the currently available evidence, this variant is classified as likely pathogenic.

Literature cited by the submitters: PubMed 25388907.